The following is an entry in ClinVar:

ClinVar aggregate classification (germline): Uncertain significance (1 of 4 stars; one submission).

Conditions:
Autosomal dominant polycystic kidney disease. Identifiers: Orphanet 730, MedGen C0085413, MONDO:0004691.

Allele frequency attached by ClinVar (database versions not stated): gnomAD 0.00001; TOPMed 0.00003.
gnomAD v4.1: 4 of 1,203,798 alleles (0.00033%); highest among the groups gnomAD compares: East Asian, 0.015%; no homozygotes.

Submission:

Labcorp Genetics (formerly Invitae), Labcorp
Classification: Uncertain significance for Autosomal dominant polycystic kidney disease. Last evaluated: 2022-06-08. Review status: criteria provided, single submitter. Criteria: Invitae Variant Classification Sherloc (09022015). Collection method: clinical testing. Allele origin: germline.
Comment: In summary, the available evidence is currently insufficient to determine the role of this variant in disease. Therefore, it has been classified as a Variant of Uncertain Significance. Algorithms developed to predict the effect of missense changes on protein structure and function are either unavailable or do not agree on the potential impact of this missense change (SIFT: "Deleterious"; PolyPhen-2: "Probably Damaging"; Align-GVGD: "Class C0"). This variant has not been reported in the literature in individuals affected with PKD2-related conditions. The frequency data for this variant in the population databases is considered unreliable, as metrics indicate poor data quality at this position in the gnomAD database. This sequence change replaces arginine, which is basic and polar, with histidine, which is basic and polar, at codon 6 of the PKD2 protein (p.Arg6His).

NM_000297.4(PKD2):c.17G>A (p.Arg6His)

Genes: PKD2 (polycystin 2, transient receptor potential cation channel; plus strand), LOC129992813 (ATAC-STARR-seq lymphoblastoid silent region 15559; plus strand). Cytogenetic location: 4q22.1.
Variant type: single nucleotide variant.
Coding change: c.17G>A on transcript NM_000297.4 (MANE Select); coding-DNA position 17, G replaced by A.
Protein change: p.Arg6His; replaces arginine 6 with histidine.
Molecular consequence: missense variant. On other transcripts: non-coding transcript variant (1).
Genome position (GRCh38, 1-based): chr4:88,007,750, G>A. VCF-style: chr4-88007750-G-A. GRCh37 (hg19) VCF-style: chr4-88928902-G-A.
Other names: short protein forms R6H.
Identifiers: ClinVar variation 2038698 (VCV002038698.4), dbSNP rs1307960365, ClinGen allele CA357624804.